The following is an entry in ClinVar:

NM_000548.5(TSC2):c.1857G>A (p.Leu619=)

Gene: TSC2 (TSC complex subunit 2; plus strand). Cytogenetic location: 16p13.3.
Variant type: single nucleotide variant.
Coding change: c.1857G>A on transcript NM_000548.5 (MANE Select); coding-DNA position 1857, G replaced by A.
Protein change: p.Leu619=; no amino-acid change (leucine 619 retained).
Molecular consequence: synonymous variant. On other transcripts: non-coding transcript variant (5).
Genome position (GRCh38, 1-based): chr16:2,071,527, G>A. VCF-style: chr16-2071527-G-A. GRCh37 (hg19) VCF-style: chr16-2121528-G-A.
Other names: c.1857G>A, p.Leu619= (NM_001077183.3, NM_001114382.3, NM_021055.3 and 6 more transcripts); c.1746G>A, p.Leu582= (NM_001318827.2, NM_001406670.1, NM_001406678.1); c.1710G>A, p.Leu570= (NM_001318829.2, NM_001406679.1, NM_001406675.1 and 1 more transcripts); c.1257G>A, p.Leu419= (NM_001406680.1, NM_001406682.1, NM_001406683.1 and 6 more transcripts); c.1395G>A, p.Leu465= (NM_001406681.1); c.513G>A, p.Leu171= (NM_001406689.1, NM_001406690.1, NM_001406691.1 and 6 more transcripts); c.255G>A, p.Leu85= (NM_001406698.1); c.1890G>A, p.Leu630= (NM_001318832.2); and 3 more.
Identifiers: ClinVar variation 2449983 (VCV002449983.3), dbSNP rs1131826, ClinGen allele CA492950273.

ClinVar aggregate classification (germline): Benign/Likely benign. Review status: criteria provided, multiple submitters, no conflicts (2 of 4 stars). 2 submissions from 2 submitters: Benign (1); Likely benign (1). Last evaluated 2025-05-16.

Conditions:
Tuberous sclerosis 2 (TSC2). Identifiers: Orphanet 805, MedGen C1860707, MONDO:0013199, OMIM 613254.
Hereditary cancer-predisposing syndrome. Also called: Hereditary neoplastic syndrome; Tumor predisposition; Neoplastic Syndromes, Hereditary; Hereditary Cancer Syndrome. Identifiers: Orphanet 140162, MedGen C0027672, MeSH D009386, MONDO:0015356.

Submissions (2):

Myriad Genetics, Inc.
Classification: Benign for Tuberous sclerosis 2. Last evaluated: 2025-05-16. Review status: criteria provided, single submitter. Criteria: Myriad Autosomal Dominant, Autosomal Recessive and X-Linked Classification Criteria (2023). Collection method: clinical testing. Allele origin: unknown.
Comment: This variant is considered benign. This variant is a silent/synonymous amino acid change and it is not expected to impact splicing.

Ambry Genetics
Classification: Likely benign for Hereditary cancer-predisposing syndrome. Last evaluated: 2023-01-16. Review status: criteria provided, single submitter. Criteria: Ambry Variant Classification Scheme 2023. Collection method: clinical testing. Allele origin: germline.